The following is an entry in ClinVar:

ClinVar aggregate classification (germline): Uncertain significance (1 of 4 stars; one submission).

Submission:

Ambry Genetics
Classification: Uncertain significance. Last evaluated: 2021-10-02. Review status: criteria provided, single submitter. Criteria: Ambry Variant Classification Scheme 2023. Collection method: clinical testing. Allele origin: germline.
Comment: The p.R879P variant (also known as c.2636G>C), located in coding exon 14 of the PALLD gene, results from a G to C substitution at nucleotide position 2636. The arginine at codon 879 is replaced by proline, an amino acid with dissimilar properties. This amino acid position is conserved. In addition, the in silico prediction for this alteration is inconclusive. Since supporting evidence is limited at this time, the clinical significance of this alteration remains unclear.

NM_001166108.2(PALLD):c.2687G>C (p.Arg896Pro)

Genes: CBR4 (carbonyl reductase 4; minus strand), PALLD (palladin, cytoskeletal associated protein; plus strand). Cytogenetic location: 4q32.3.
Variant type: single nucleotide variant.
Coding change: c.2687G>C on transcript NM_001166108.2 (MANE Select); coding-DNA position 2687, G replaced by C.
Protein change: p.Arg896Pro; replaces arginine 896 with proline.
Molecular consequence: missense variant.
Genome position (GRCh38, 1-based): chr4:168,913,991, G>C. VCF-style: chr4-168913991-G-C. GRCh37 (hg19) VCF-style: chr4-169835142-G-C.
Other names: c.1490G>C, p.Arg497Pro (NM_001166109.2); c.1175G>C, p.Arg392Pro (NM_001166110.2); c.515G>C, p.Arg172Pro (NM_001367567.1, NM_001367569.1); c.566G>C, p.Arg189Pro (NM_001367568.1, NM_001367570.1); c.2636G>C, p.Arg879Pro (NM_016081.4); short protein forms R172P, R497P, R896P, R189P, R879P, R392P.
Identifiers: ClinVar variation 1794117 (VCV001794117.2), dbSNP rs373500403, ClinGen allele CA358705227.